The following is an entry in ClinVar:

NM_014989.7(RIMS1):c.2855G>A (p.Arg952His)

Gene: RIMS1 (regulating synaptic membrane exocytosis 1; plus strand). Cytogenetic location: 6q13.
Variant type: single nucleotide variant.
Coding change: c.2855G>A on transcript NM_014989.7 (MANE Select); coding-DNA position 2855, G replaced by A.
Protein change: p.Arg952His; replaces arginine 952 with histidine.
Molecular consequence: missense variant.
Genome position (GRCh38, 1-based): chr6:72,258,209, G>A. VCF-style: chr6-72258209-G-A. GRCh37 (hg19) VCF-style: chr6-72967912-G-A.
Other names: c.1274G>A, p.Arg425His (NM_001350441.2, NM_001350443.2, NM_001350444.2 and 19 more transcripts); c.1277G>A, p.Arg426His (NM_001350442.2, NM_001350457.2, NM_001350458.2 and 15 more transcripts); c.1208G>A, p.Arg403His (NM_001350459.2, NM_001350462.2, NM_001350424.2 and 1 more transcripts); c.1031G>A, p.Arg344His (NM_001350461.2, NM_001350463.2, NM_001350468.2); c.1205G>A, p.Arg402His (NM_001350450.2, NM_001350421.2, NM_001350430.2 and 2 more transcripts); c.1034G>A, p.Arg345His (NM_001168409.2, NM_001350464.2, NM_001350465.2 and 3 more transcripts); c.1232G>A, p.Arg411His (NM_001168410.2, NM_001350470.2, NM_001350473.2 and 1 more transcripts); c.1229G>A, p.Arg410His (NM_001350472.2); short protein forms R411H, R425H, R344H, R402H, R952H, R403H, R410H, R345H.
Identifiers: ClinVar variation 1989200 (VCV001989200.4), dbSNP rs746449822, ClinGen allele CA3886050.
Genomic context (GRCh38, chr6:72,258,209, plus strand): 5'-AAAGTAAATCTACAACATTAACTGTGCCAGAACAGCAAAGAACAACTCATCACCGCTCAC[G>A]TTCAGTATCTCCTCATCGCGGCAATGATCAGGGAAAGCCGCGTTCACGTTTACCAAATGT-3'
Protein context (NP_055804.2, residues 942-962): EQQRTTHHRS[Arg952His]SVSPHRGNDQ

ClinVar aggregate classification (germline): Uncertain significance (1 of 4 stars; one submission).

Allele frequency attached by ClinVar (database versions not stated): gnomAD exomes below 0.00001; TOPMed below 0.00001; ExAC 0.00001; gnomAD 0.00001.
gnomAD v4.1: 4 of 1,613,382 alleles (0.00025%); highest among the groups gnomAD compares: African/African-American, 0.0013%; no homozygotes.

Submission:

Labcorp Genetics (formerly Invitae), Labcorp
Classification: Uncertain significance. Last evaluated: 2022-06-28. Review status: criteria provided, single submitter. Criteria: Invitae Variant Classification Sherloc (09022015). Collection method: clinical testing. Allele origin: germline.
Comment: In summary, the available evidence is currently insufficient to determine the role of this variant in disease. Therefore, it has been classified as a Variant of Uncertain Significance. Algorithms developed to predict the effect of missense changes on protein structure and function (SIFT, PolyPhen-2, Align-GVGD) all suggest that this variant is likely to be disruptive. This variant has not been reported in the literature in individuals affected with RIMS1-related conditions. This variant is present in population databases (rs746449822, gnomAD 0.007%). This sequence change replaces arginine, which is basic and polar, with histidine, which is basic and polar, at codon 952 of the RIMS1 protein (p.Arg952His).